The following is an entry in ClinVar:

ClinVar aggregate classification (germline): Benign/Likely benign. Review status: criteria provided, multiple submitters, no conflicts (2 of 4 stars). 5 submissions from 5 submitters: Benign (4); Likely benign (1). Last evaluated 2026-01-06.

Conditions:
Autosomal dominant limb-girdle muscular dystrophy type 1D (DNAJB6) (LGMDD1). Also called: MUSCULAR DYSTROPHY, LIMB-GIRDLE, TYPE 1D; MUSCULAR DYSTROPHY, AUTOSOMAL DOMINANT, WITH RIMMED VACUOLES; Autosomal dominant limb-girdle muscular dystrophy type 1D; Muscular dystrophy, limb-girdle, autosomal dominant 1. Identifiers: Orphanet 34516, MedGen C4721885, MONDO:0021018, OMIM 603511.

Allele frequency attached by ClinVar (database versions not stated): ESP Exome Variant Server 0.00085; gnomAD 0.00085; TOPMed 0.00092; 1000 Genomes Project 0.00100.
gnomAD v4.1: 211 of 1,611,730 alleles (0.013%); highest among the groups gnomAD compares: African/African-American, 0.26%; no homozygotes.

Submissions (6):

Labcorp Genetics (formerly Invitae), Labcorp
Classification: Benign for Autosomal dominant limb-girdle muscular dystrophy type 1D (DNAJB6). Last evaluated: 2026-01-06. Review status: criteria provided, single submitter. Criteria: Invitae Variant Classification Sherloc (09022015). Collection method: clinical testing. Allele origin: germline.

CeGaT Center for Human Genetics Tuebingen
Classification: Benign. Last evaluated: 2022-09-01. Review status: criteria provided, single submitter. Criteria: CeGaT Center For Human Genetics Tuebingen Variant Classification Criteria Version 2. Collection method: clinical testing. Allele origin: germline. Affected: yes. Observed: 1 variant allele.
Comment: DNAJB6: BS1, BS2

Athena Diagnostics
Classification: Benign. Last evaluated: 2021-03-22. Review status: criteria provided, single submitter. Criteria: Athena Diagnostics criteria. Collection method: clinical testing. Allele origin: unknown.

Eurofins Ntd Llc (ga)
Classification: Likely benign. Last evaluated: 2015-12-01. Review status: criteria provided, single submitter. Criteria: EGL Classification Definitions 2015. Collection method: clinical testing. Allele origin: germline. Observed: 1 variant allele, 1 heterozygote.

PreventionGenetics, part of Exact Sciences
Classification: Benign. Review status: criteria provided, single submitter. Criteria: ACMG Guidelines, 2015. Collection method: clinical testing. Allele origin: germline.

Dr. Peter K. Rogan Lab, Western University
No classification provided (evidence only). Condition: Familial cancer of breast. Review status: no classification provided. Collection method: in vitro. Allele origin: not applicable. Functional consequence: skipped exon. Not counted in ClinVar's aggregate classification.

NM_058246.4(DNAJB6):c.429G>C (p.Ala143=)

Gene: DNAJB6 (DnaJ heat shock protein family (Hsp40) member B6; plus strand). Cytogenetic location: 7q36.3.
Variant type: single nucleotide variant.
Coding change: c.429G>C on transcript NM_058246.4 (MANE Select); coding-DNA position 429, G replaced by C.
Protein change: p.Ala143=; no amino-acid change (alanine 143 retained).
Molecular consequence: synonymous variant. On other transcripts: intron variant (1).
Genome position (GRCh38, 1-based): chr7:157,382,328, G>C. VCF-style: chr7-157382328-G-C. GRCh37 (hg19) VCF-style: chr7-157175022-G-C.
Other names: c.429G>C, p.Ala143= (NM_005494.3); c.346+14845G>C (NM_001363676.1).
Identifiers: ClinVar variation 262306 (VCV000262306.42), dbSNP rs150709673, ClinGen allele CA4590515.
Genomic context (GRCh38, chr7:157,382,328, plus strand): 5'-TGGGAATCGAAGGGGTCCCCGAGGAAGCAGAAGCCGAGGGACGGGGTCGTTTTTCTCTGC[G>C]TTCAGTGGATTTCCGTCTTTTGGAAGTGGATTTTCTTCTTTTGATACAGGTATTAAATCC-3'
Protein context (NP_490647.1, residues 133-153): RSRGTGSFFS[Ala143=]FSGFPSFGSG